The following is an entry in ClinVar:

NM_001171.6(ABCC6):c.1799_1805dup (p.Thr603fs)

Gene: ABCC6 (ATP binding cassette subfamily C member 6; minus strand). Cytogenetic location: 16p13.11.
Variant type: Duplication.
Coding change: c.1799_1805dup on transcript NM_001171.6 (MANE Select); coding-DNA positions 1799 to 1805, 7 bases duplicated (GTCTGGT; older notation c.1799_1805dupGTCTGGT).
Protein change: p.Thr603fs; shifts the reading frame from threonine 603.
Molecular consequence: frameshift variant. On other transcripts: non-coding transcript variant (1).
Genome position (GRCh38, 1-based): chr16:16,187,186-16,187,192, ACCAGAC duplicated on the plus strand (GTCTGGT on the coding strand, the reverse complement: ABCC6 is on the minus strand). VCF-style (leftmost placement, unchanged base first): chr16-16187185-G-GACCAGAC. GRCh37 (hg19) VCF-style: chr16-16281042-G-GACCAGAC.
Other names: c.1457_1463dup, p.Thr489fs (NM_001351800.1); short protein forms T489fs, T603fs.
Identifiers: ClinVar variation 1322283 (VCV001322283.8), dbSNP rs781369291, ClinGen allele CA7926152.

ClinVar aggregate classification (germline): Conflicting classifications of pathogenicity. Review status: criteria provided, conflicting classifications (1 of 4 stars). 4 submissions from 4 submitters: Pathogenic (3); Uncertain significance (1). Last evaluated 2025-03-26.

Conditions:
ABCC6-related disorder. Also called: ABCC6-related condition.
Autosomal recessive inherited pseudoxanthoma elasticum (PXE). Identifiers: Orphanet 758, MedGen CN032334, MONDO:0009925, OMIM 264800.

Allele frequency attached by ClinVar (database versions not stated): gnomAD exomes 0.00001; ExAC 0.00004.

Submissions (4):

Labcorp Genetics (formerly Invitae), Labcorp
Classification: Pathogenic. Last evaluated: 2025-03-26. Review status: criteria provided, single submitter. Criteria: Invitae Variant Classification Sherloc (09022015). Collection method: clinical testing. Allele origin: germline.
Comment: This sequence change creates a premature translational stop signal (p.Thr603Serfs*11) in the ABCC6 gene. It is expected to result in an absent or disrupted protein product. Loss-of-function variants in ABCC6 are known to be pathogenic (PMID: 11536079, 17617515). This variant is present in population databases (rs781369291, gnomAD 0.01%). This premature translational stop signal has been observed in individual(s) with pseudoxanthoma elasticum (PMID: 30805891). ClinVar contains an entry for this variant (Variation ID: 1322283). For these reasons, this variant has been classified as Pathogenic.

Blueprint Genetics
Classification: Pathogenic for ABCC6-related disorders. Last evaluated: 2024-05-06. Review status: criteria provided, single submitter. Criteria: ACMG Guidelines, 2015. Collection method: clinical testing. Allele origin: germline. Affected: yes. Observed: 3 variant alleles.

Revvity Omics, Revvity
Classification: Pathogenic. Last evaluated: 2023-07-24. Review status: criteria provided, single submitter. Criteria: ACMG Guidelines, 2015. Collection method: clinical testing. Allele origin: germline.

Kasturba Medical College, Manipal, Kasturba Medical College, Manipal, Manipal Academy of Higher Education, Manipal, India
Classification: Uncertain significance for Autosomal recessive inherited pseudoxanthoma elasticum. Review status: criteria provided, single submitter. Criteria: ACMG Guidelines, 2015. Collection method: research. Allele origin: germline. Inheritance: Autosomal recessive inheritance. Affected: yes. Observed: 1 heterozygote.
Comment: It is absent in homozygous state in population database gnomAD (v4.1.0) and our in-house database of 3479 exomes. This variant is present in heterozygous state in ten individuals in gnomAD (v.4.1.0) and absent in our in-house database. This variant is reported as pathogenic by one submitter in ClinVar (VCV001322283.3). It is also reported in homozygous state in one individual with pseudoxanthoma elasticum (Khan et al., 2019).

Literature cited by the submitters: PubMed 11536079 (cited by Labcorp Genetics (formerly Invitae), Labcorp); PubMed 17617515 (cited by Labcorp Genetics (formerly Invitae), Labcorp); PubMed 30805891 (cited by Labcorp Genetics (formerly Invitae), Labcorp and Kasturba Medical College, Manipal, Kasturba Medical College, Manipal, Manipal Academy of Higher Education, Manipal, India).